The following is an entry in ClinVar:

ClinVar aggregate classification (germline): Likely benign. Review status: criteria provided, multiple submitters, no conflicts (2 of 4 stars). 3 submissions from 3 submitters: Likely benign (3). Last evaluated 2025-03-04.

Conditions:
Breast-ovarian cancer, familial, susceptibility to, 3. Also called: RAD51C-Related Breast/Ovarian Cancer. Identifiers: Orphanet 145, MedGen C3150659, MONDO:0013253, OMIM 613399.
Fanconi anemia complementation group O. Also called: RAD51C-Related Fanconi Anemia. Identifiers: Orphanet 84, MedGen C3150653, MONDO:0013248, OMIM 613390.

Allele frequency attached by ClinVar (database versions not stated): gnomAD exomes below 0.00001.

Submissions (3):

Center for Genomic Medicine, Rigshospitalet, Copenhagen University Hospital
Classification: Likely benign. Last evaluated: 2025-03-04. Review status: criteria provided, single submitter. Criteria: ACMG Guidelines, 2015. Collection method: clinical testing. Allele origin: germline.

Myriad Genetics, Inc.
Classification: Likely benign for Breast-ovarian cancer, familial, susceptibility to, 3. Last evaluated: 2025-02-18. Review status: criteria provided, single submitter. Criteria: Myriad Autosomal Dominant, Autosomal Recessive and X-Linked Classification Criteria (2023). Collection method: clinical testing. Allele origin: unknown.
Comment: This variant is considered likely benign. This variant is intronic and is not expected to impact mRNA splicing.

Labcorp Genetics (formerly Invitae), Labcorp
Classification: Likely benign for Fanconi anemia complementation group O. Last evaluated: 2017-11-02. Review status: criteria provided, single submitter. Criteria: Invitae Variant Classification Sherloc (09022015). Collection method: clinical testing. Allele origin: germline.

NM_058216.3(RAD51C):c.405-8G>A

Gene: RAD51C (RAD51 paralog C; plus strand). Cytogenetic location: 17q22.
Variant type: single nucleotide variant.
Coding change: c.405-8G>A on transcript NM_058216.3 (MANE Select); 8 bases into the intron before coding-DNA position 405, G replaced by A.
Molecular consequence: intron variant.
Genome position (GRCh38, 1-based): chr17:58,696,685, G>A. VCF-style: chr17-58696685-G-A. GRCh37 (hg19) VCF-style: chr17-56774046-G-A.
Identifiers: ClinVar variation 538789 (VCV000538789.11), dbSNP rs1431351072, ClinGen allele CA627144566.